The following is an entry in ClinVar:

NM_000428.3(LTBP2):c.2840A>G (p.Asn947Ser)

Gene: LTBP2 (latent transforming growth factor beta binding protein 2; minus strand). Cytogenetic location: 14q24.3.
Variant type: single nucleotide variant.
Coding change: c.2840A>G on transcript NM_000428.3 (MANE Select); coding-DNA position 2840, A replaced by G.
Protein change: p.Asn947Ser; replaces asparagine 947 with serine.
Molecular consequence: missense variant.
Genome position (GRCh38, 1-based): chr14:74,516,890, T>C on the plus strand (A>G on the coding strand, the complement: LTBP2 is on the minus strand). VCF-style: chr14-74516890-T-C. GRCh37 (hg19) VCF-style: chr14-74983593-T-C.
Other names: short protein forms N947S.
Identifiers: ClinVar variation 1996239 (VCV001996239.4), dbSNP rs2506144299, ClinGen allele CA390390629.

ClinVar aggregate classification (germline): Uncertain significance (1 of 4 stars; one submission).

Submission:

Labcorp Genetics (formerly Invitae), Labcorp
Classification: Uncertain significance. Last evaluated: 2023-05-22. Review status: criteria provided, single submitter. Criteria: Invitae Variant Classification Sherloc (09022015). Collection method: clinical testing. Allele origin: germline.
Comment: In summary, the available evidence is currently insufficient to determine the role of this variant in disease. Therefore, it has been classified as a Variant of Uncertain Significance. An algorithm developed to predict the effect of missense changes on protein structure and function (PolyPhen-2) suggests that this variant is likely to be disruptive. ClinVar contains an entry for this variant (Variation ID: 1996239). This variant has not been reported in the literature in individuals affected with LTBP2-related conditions. This variant is not present in population databases (gnomAD no frequency). This sequence change replaces asparagine, which is neutral and polar, with serine, which is neutral and polar, at codon 947 of the LTBP2 protein (p.Asn947Ser).